The following is an entry in ClinVar:

NM_031885.5(BBS2):c.1601G>A (p.Cys534Tyr)

Gene: BBS2 (Bardet-Biedl syndrome 2; minus strand). Cytogenetic location: 16q13.
Variant type: single nucleotide variant.
Coding change: c.1601G>A on transcript NM_031885.5 (MANE Select); coding-DNA position 1601, G replaced by A.
Protein change: p.Cys534Tyr; replaces cysteine 534 with tyrosine.
Molecular consequence: missense variant. On other transcripts: non-coding transcript variant (5).
Genome position (GRCh38, 1-based): chr16:56,498,495, C>T on the plus strand (G>A on the coding strand, the complement: BBS2 is on the minus strand). VCF-style: chr16-56498495-C-T. GRCh37 (hg19) VCF-style: chr16-56532407-C-T.
Other names: c.1601G>A, p.Cys534Tyr (NM_001377456.1); short protein forms C534Y.
Identifiers: ClinVar variation 1399619 (VCV001399619.9), dbSNP rs1964174593, ClinGen allele CA395976699.

ClinVar aggregate classification (germline): Uncertain significance. Review status: criteria provided, multiple submitters, no conflicts (2 of 4 stars). 2 submissions from 2 submitters: Uncertain significance (2). Last evaluated 2023-06-01.

Conditions:
Bardet-Biedl syndrome (BBS). Identifiers: Orphanet 110, MedGen C0752166, MONDO:0015229.
BBS2-related ciliopathy. Identifiers: MedGen CN378634, MONDO:1040048.

Allele frequency attached by ClinVar (database versions not stated): TOPMed below 0.00001; gnomAD 0.00001.
gnomAD v4.1: 1 of 1,613,914 alleles (0.000062%); highest among the groups gnomAD compares: Non-Finnish European, 0.000085%; no homozygotes.

Submissions (2):

Department of Pathology and Laboratory Medicine, Sinai Health System
Classification: Uncertain significance for BBS2-related ciliopathy. Last evaluated: 2023-06-01. Review status: criteria provided, single submitter. Criteria: ACMG Guidelines, 2015. Collection method: research. Allele origin: germline.

Labcorp Genetics (formerly Invitae), Labcorp
Classification: Uncertain significance for Bardet-Biedl syndrome. Last evaluated: 2021-04-22. Review status: criteria provided, single submitter. Criteria: Invitae Variant Classification Sherloc (09022015). Collection method: clinical testing. Allele origin: germline.
Comment: In summary, the available evidence is currently insufficient to determine the role of this variant in disease. Therefore, it has been classified as a Variant of Uncertain Significance. Algorithms developed to predict the effect of missense changes on protein structure and function are either unavailable or do not agree on the potential impact of this missense change (SIFT: "Deleterious"; PolyPhen-2: "Benign"; Align-GVGD: "Class C0"). This variant has not been reported in the literature in individuals with BBS2-related conditions. This variant is not present in population databases (ExAC no frequency). This sequence change replaces cysteine with tyrosine at codon 534 of the BBS2 protein (p.Cys534Tyr). The cysteine residue is moderately conserved and there is a large physicochemical difference between cysteine and tyrosine.